The following is an entry in ClinVar:

ClinVar aggregate classification (germline): Uncertain significance (1 of 4 stars; one submission).

Allele frequency attached by ClinVar (database versions not stated): ExAC 0.00001; gnomAD exomes 0.00001; TOPMed 0.00002.
gnomAD v4.1: 11 of 1,613,932 alleles (0.00068%); highest among the groups gnomAD compares: Admixed American, 0.0017%; no homozygotes.

Submission:

Labcorp Genetics (formerly Invitae), Labcorp
Classification: Uncertain significance. Last evaluated: 2023-07-24. Review status: criteria provided, single submitter. Criteria: Invitae Variant Classification Sherloc (09022015). Collection method: clinical testing. Allele origin: germline.
Comment: This variant is present in population databases (rs773978369, gnomAD 0.003%). In summary, the available evidence is currently insufficient to determine the role of this variant in disease. Therefore, it has been classified as a Variant of Uncertain Significance. An algorithm developed to predict the effect of missense changes on protein structure and function (PolyPhen-2) suggests that this variant is likely to be tolerated. This variant has not been reported in the literature in individuals affected with HMCN1-related conditions. This sequence change replaces histidine, which is basic and polar, with arginine, which is basic and polar, at codon 5122 of the HMCN1 protein (p.His5122Arg).

NM_031935.3(HMCN1):c.15365A>G (p.His5122Arg)

Gene: HMCN1 (hemicentin 1; plus strand). Cytogenetic location: 1q31.1.
Variant type: single nucleotide variant.
Coding change: c.15365A>G on transcript NM_031935.3 (MANE Select); coding-DNA position 15365, A replaced by G.
Protein change: p.His5122Arg; replaces histidine 5122 with arginine.
Molecular consequence: missense variant.
Genome position (GRCh38, 1-based): chr1:186,166,229, A>G. VCF-style: chr1-186166229-A-G. GRCh37 (hg19) VCF-style: chr1-186135361-A-G.
Other names: short protein forms H5122R.
Identifiers: ClinVar variation 2994231 (VCV002994231.3), dbSNP rs773978369, ClinGen allele CA1295231.